The following is an entry in ClinVar:

ClinVar aggregate classification (germline): Pathogenic (1 of 4 stars; one submission).

Conditions:
Familial adenomatous polyposis 1 (FAP1). Also called: FAMILIAL ADENOMATOUS POLYPOSIS 1, ATTENUATED; POLYPOSIS, ADENOMATOUS INTESTINAL. Identifiers: MedGen C2713442, MONDO:0021056, OMIM 175100. Disease mechanism: loss of function.

Submission:

Labcorp Genetics (formerly Invitae), Labcorp
Classification: Pathogenic for Familial adenomatous polyposis 1. Last evaluated: 2022-01-26. Review status: criteria provided, single submitter. Criteria: Invitae Variant Classification Sherloc (09022015). Collection method: clinical testing. Allele origin: germline.
Comment: For these reasons, this variant has been classified as Pathogenic. This variant has not been reported in the literature in individuals affected with APC-related conditions. This variant is a gross deletion of the genomic region encompassing exon(s) 1-14 of the APC gene, which includes the initiator codon. This deletion extends beyond the assayed region for this gene and therefore may encompass additional genes. It is expected to result in an absent or disrupted protein product. Loss-of-function variants in APC are known to be pathogenic (PMID: 17963004, 20685668).

Literature cited by the submitters: PubMed 17963004; PubMed 20685668.

NC_000005.9:g.(?_112072721)_(112164689_?)del

Gene: APC (APC regulator of Wnt signaling pathway; plus strand). Cytogenetic location: 5q22.2.
Variant type: Deletion.
Identifiers: ClinVar variation 2422169 (VCV002422169.4).